The following is an entry in ClinVar:

NM_006766.5(KAT6A):c.3040-2A>C

Gene: KAT6A (lysine acetyltransferase 6A; minus strand). Cytogenetic location: 8p11.21.
Variant type: single nucleotide variant.
Coding change: c.3040-2A>C on transcript NM_006766.5 (MANE Select); the canonical splice acceptor site of the intron before coding-DNA position 3040, A replaced by C.
Molecular consequence: splice acceptor variant.
Genome position (GRCh38, 1-based): chr8:41,937,570, T>G on the plus strand (A>C on the coding strand, the complement: KAT6A is on the minus strand). VCF-style: chr8-41937570-T-G. GRCh37 (hg19) VCF-style: chr8-41795088-T-G.
Identifiers: ClinVar variation 4529684 (VCV004529684.1).

ClinVar aggregate classification (germline): Pathogenic (1 of 4 stars; one submission).

Submission:

GeneDx
Classification: Pathogenic. Last evaluated: 2025-05-16. Review status: criteria provided, single submitter. Criteria: GeneDx Variant Classification Process June 2021. Collection method: clinical testing. Allele origin: germline. Affected: yes.
Comment: Canonical splice site variant predicted to result in a null allele in a gene for which loss of function is a known mechanism of disease; Not observed at significant frequency in large population cohorts (gnomAD); Has not been previously published as pathogenic or benign to our knowledge